The following is an entry in ClinVar:

NM_018684.4(ZC4H2):c.88C>T (p.Arg30Cys)

Gene: ZC4H2 (zinc finger C4H2-type containing; minus strand). Cytogenetic location: Xq11.2.
Variant type: single nucleotide variant.
Coding change: c.88C>T on transcript NM_018684.4 (MANE Select); coding-DNA position 88, C replaced by T.
Protein change: p.Arg30Cys; replaces arginine 30 with cysteine.
Molecular consequence: missense variant. On other transcripts: non-coding transcript variant (1).
Genome position (GRCh38, 1-based): chrX:64,921,954, G>A on the plus strand (C>T on the coding strand, the complement: ZC4H2 is on the minus strand). VCF-style: chrX-64921954-G-A. GRCh37 (hg19) VCF-style: chrX-64141834-G-A.
Other names: c.19C>T, p.Arg7Cys (NM_001178032.3, NM_001243804.2); c.88C>T, p.Arg30Cys (NM_001178033.3); short protein forms R30C, R7C.
Identifiers: ClinVar variation 2663731 (VCV002663731.1), dbSNP rs766029456, ClinGen allele CA413412407.

ClinVar aggregate classification (germline): Uncertain significance (1 of 4 stars; one submission).

Allele frequency attached by ClinVar (database versions not stated): gnomAD exomes 0.00001.
gnomAD v4.1: 9 of 1,210,696 alleles (0.00074%); highest among the groups gnomAD compares: Non-Finnish European, 0.001%; no homozygotes.

Submission:

GeneDx
Classification: Uncertain significance. Last evaluated: 2023-04-04. Review status: criteria provided, single submitter. Criteria: GeneDx Variant Classification Process June 2021. Collection method: clinical testing. Allele origin: germline. Affected: yes.
Comment: Not observed at significant frequency in large population cohorts (gnomAD); In silico analysis supports that this missense variant has a deleterious effect on protein structure/function; Has not been previously published as pathogenic or benign to our knowledge